The following is an entry in ClinVar:

NM_000548.5(TSC2):c.5068G>T (p.Asp1690Tyr)

Gene: TSC2 (TSC complex subunit 2; plus strand). Cytogenetic location: 16p13.3.
Variant type: single nucleotide variant.
Coding change: c.5068G>T on transcript NM_000548.5 (MANE Select); coding-DNA position 5068, G replaced by T.
Protein change: p.Asp1690Tyr; replaces aspartic acid 1690 with tyrosine.
Molecular consequence: missense variant.
Genome position (GRCh38, 1-based): chr16:2,087,941, G>T. VCF-style: chr16-2087941-G-T. GRCh37 (hg19) VCF-style: chr16-2137942-G-T.
Other names: c.4867G>T, p.Asp1623Tyr (NM_001077183.3); c.4999G>T, p.Asp1667Tyr (NM_001114382.3); c.4759G>T, p.Asp1587Tyr (NM_001318827.2); c.4723G>T, p.Asp1575Tyr (NM_001318829.2); c.4336G>T, p.Asp1446Tyr (NM_001318831.2); c.4900G>T, p.Asp1634Tyr (NM_001318832.2); c.4870G>T, p.Asp1624Tyr (NM_001363528.2); c.4936G>T, p.Asp1646Tyr (NM_001370404.1); and 1 more; short protein forms D1690Y, D1446Y, D1623Y, D1647Y, D1667Y, D1634Y, D1646Y, D1575Y.
Identifiers: ClinVar variation 49344 (VCV000049344.7), dbSNP rs137854882, ClinGen allele CA021630.

ClinVar aggregate classification (germline): Pathogenic. Review status: criteria provided, single submitter (1 of 4 stars). 2 submissions from 2 submitters: Pathogenic (1). 1 of the submissions does not count toward it. Last evaluated 2017-04-05.

Conditions:
Tuberous sclerosis syndrome (TSC). Also called: Tuberous Sclerosis Complex; Tuberous sclerosis. Identifiers: Orphanet 805, MedGen C0041341, MONDO:0001734.
Tuberous sclerosis 2 (TSC2). Identifiers: Orphanet 805, MedGen C1860707, MONDO:0013199, OMIM 613254.

Submissions (2):

Labcorp Genetics (formerly Invitae), Labcorp
Classification: Pathogenic for Tuberous sclerosis 2. Last evaluated: 2017-04-05. Review status: criteria provided, single submitter. Criteria: Invitae Variant Classification Sherloc (09022015). Collection method: clinical testing. Allele origin: germline.
Comment: In summary, while this variant has uncertain impact on protein function, it is absent from the population and reported in affected individuals, including a de novo finding. Therefore, it has been classified as Pathogenic. This sequence change replaces aspartic acid with tyrosine at codon 1690 of the TSC2 protein (p.Asp1690Tyr). The aspartic acid residue is highly conserved and there is a large physicochemical difference between aspartic acid and tyrosine. This variant also falls at the last nucleotide of exon 39 of the TSC2 coding sequence, which is part of the consensus splice site for this exon. This variant is not present in population databases (ExAC no frequency). This variant has been reported in a family affected with tuberous sclerosis (TSC), and segregation with disease was stated, however details of the affected individuals other than the proband were not provided (PMID: 9829910). It has also been reported in an individual affected with TSC in the Leiden Open-source Variation Database (PMID: 21520333). Furthermore, it was found to have arisen de novo in an individual with TSC (Invitae database). ClinVar contains an entry for this variant (Variation ID: 49344). Algorithms developed to predict the effect of missense changes on protein structure and function do not agree on the potential impact of this missense change (SIFT: "Deleterious"; PolyPhen-2: "Probably Damaging"; Align-GVGD: "Class C15"). Nucleotide substitutions within the consensus splice site are relatively common causes of aberrant splicing (PMID: 17576681, 9536098). Algorithms developed to predict the effect of nucleotide changes on RNA splicing suggest that this variant may alter RNA splicing, but this prediction has not been confirmed by published transcriptional studies.

Tuberous sclerosis database (TSC2)
No classification provided. Condition: TSC. Review status: no classification provided. Criteria: Tuberous Sclerosis Database Assertion Criteria 2015. Collection method: curation. Allele origin: germline. Affected: yes. Not counted in ClinVar's aggregate classification.

Literature cited by the submitters: PubMed 9829910 (cited by Labcorp Genetics (formerly Invitae), Labcorp); PubMed 21520333 (cited by Labcorp Genetics (formerly Invitae), Labcorp); PubMed 17576681 (cited by Labcorp Genetics (formerly Invitae), Labcorp); PubMed 9536098 (cited by Labcorp Genetics (formerly Invitae), Labcorp).